The following is an entry in ClinVar:

ClinVar aggregate classification (germline): Uncertain significance. Review status: criteria provided, multiple submitters, no conflicts (2 of 4 stars). 2 submissions from 2 submitters: Uncertain significance (2). Last evaluated 2025-11-13.

Allele frequency attached by ClinVar (database versions not stated): ExAC 0.00001; gnomAD 0.00001; gnomAD exomes 0.00001; TOPMed 0.00002.

Submissions (2):

Labcorp Genetics (formerly Invitae), Labcorp
Classification: Uncertain significance. Last evaluated: 2025-11-13. Review status: criteria provided, single submitter. Criteria: Invitae Variant Classification Sherloc (09022015). Collection method: clinical testing. Allele origin: germline.
Comment: This sequence change creates a premature translational stop signal (p.Arg541*) in the KLHL7 gene. While this is not anticipated to result in nonsense mediated decay, it is expected to disrupt the last 46 amino acid(s) of the KLHL7 protein. This variant is present in population databases (rs762711136, gnomAD 0.01%). This variant has not been reported in the literature in individuals affected with KLHL7-related conditions. ClinVar contains an entry for this variant (Variation ID: 1043084). Experimental studies and prediction algorithms are not available or were not evaluated, and the functional significance of this variant is currently unknown. In summary, the available evidence is currently insufficient to determine the role of this variant in disease. Therefore, it has been classified as a Variant of Uncertain Significance.

Blueprint Genetics
Classification: Uncertain significance. Last evaluated: 2021-02-26. Review status: criteria provided, single submitter. Criteria: ACMG Guidelines, 2015. Collection method: clinical testing. Allele origin: germline.

NM_001031710.3(KLHL7):c.1621C>T (p.Arg541Ter)

Gene: KLHL7 (kelch like family member 7; plus strand). Cytogenetic location: 7p15.3.
Variant type: single nucleotide variant.
Coding change: c.1621C>T on transcript NM_001031710.3 (MANE Select); coding-DNA position 1621, C replaced by T.
Protein change: p.Arg541Ter; replaces arginine 541 with a stop codon.
Molecular consequence: nonsense. On other transcripts: non-coding transcript variant (1).
Genome position (GRCh38, 1-based): chr7:23,174,158, C>T. VCF-style: chr7-23174158-C-T. GRCh37 (hg19) VCF-style: chr7-23213777-C-T.
Other names: c.1477C>T, p.Arg493Ter (NM_018846.5); short protein forms R493*, R541*.
Identifiers: ClinVar variation 1043084 (VCV001043084.9), dbSNP rs762711136, ClinGen allele CA4186658.